The following is an entry in ClinVar:

NM_004484.4(GPC3):c.672A>G (p.Gln224=)

Gene: GPC3 (glypican 3; minus strand). Cytogenetic location: Xq26.2.
Variant type: single nucleotide variant.
Coding change: c.672A>G on transcript NM_004484.4 (MANE Select); coding-DNA position 672, A replaced by G.
Protein change: p.Gln224=; no amino-acid change (glutamine 224 retained).
Molecular consequence: synonymous variant.
Genome position (GRCh38, 1-based): chrX:133,753,842, T>C on the plus strand (A>G on the coding strand, the complement: GPC3 is on the minus strand). VCF-style: chrX-133753842-T-C. GRCh37 (hg19) VCF-style: chrX-132887869-T-C.
Other names: c.672A>G, p.Gln224= (NM_001164617.2); c.624A>G, p.Gln208= (NM_001164618.2); c.510A>G, p.Gln170= (NM_001164619.2).
Identifiers: ClinVar variation 476663 (VCV000476663.13), dbSNP rs373406834, ClinGen allele CA10520811.
Genomic context (GRCh38, chrX:133,753,842, plus strand): 5'-ATCAGTTGTGTTGATCACTTCAATTCCAAGATTCAGAGCCTGAAGGAAGATCCTAGTGAC[T>C]TGCAGTGACTTGGAAACCTGGGTCATAATAAGCTTGGGGAAATTCCCAAATACTTTCAGG-3'
Protein context (NP_004475.1, residues 214-234): LIMTQVSKSL[Gln224=]VTRIFLQALN

ClinVar aggregate classification (germline): Conflicting classifications of pathogenicity. Review status: criteria provided, conflicting classifications (1 of 4 stars). 2 submissions from 2 submitters: Uncertain significance (1); Likely benign (1). Last evaluated 2025-05-23.

Conditions:
Wilms tumor 1 (WT1). Also called: Wilms tumor, somatic. Identifiers: Orphanet 654, MedGen CN033288, MONDO:0008679, OMIM 194070.
Hereditary cancer-predisposing syndrome. Also called: Neoplastic Syndromes, Hereditary; Hereditary Cancer Syndrome; Hereditary neoplastic syndrome; Tumor predisposition. Identifiers: Orphanet 140162, MedGen C0027672, MeSH D009386, MONDO:0015356.

Allele frequency attached by ClinVar (database versions not stated): gnomAD exomes 0.00001 and 0.00002; ExAC 0.00002; gnomAD 0.00005 and 0.00006; ESP Exome Variant Server 0.00009; TOPMed 0.00010.
gnomAD v4.1: 11 of 1,209,418 alleles (0.00091%); highest among the groups gnomAD compares: African/African-American, 0.012%; no homozygotes.

Submissions (2):

Labcorp Genetics (formerly Invitae), Labcorp
Classification: Likely benign for Wilms tumor 1. Last evaluated: 2025-05-23. Review status: criteria provided, single submitter. Criteria: Invitae Variant Classification Sherloc (09022015). Collection method: clinical testing. Allele origin: germline.

Sema4
Classification: Uncertain significance for Hereditary cancer-predisposing syndrome. Last evaluated: 2022-02-10. Review status: criteria provided, single submitter. Criteria: Sema4 Curation Guidelines. Collection method: curation. Allele origin: germline.
Comment: The GPC3 c.672A>G (p.Q224=) variant has not been reported in the literature to our knowledge. This variant was observed in 3/13161 chromosomes in the African/African American population, with no homozygotes, according to the Genome Aggregation Database (PMID: 32461654) and has been reported in ClinVar (Variation ID: 476663). The variant is at a weakly conserved nucleotide. In silico tools suggest that this variant may create a cryptic splice site, though these predictions have not been confirmed by functional studies. The evidence is insufficient to meet ACMG/AMP criteria for classifying the variant as benign or pathogenic. Thus, the clinical significance of this variant is currently uncertain.